The following is an entry in ClinVar:

NM_001258392.3(CLPB):c.343A>G (p.Met115Val)

Gene: CLPB (ClpB family mitochondrial disaggregase; minus strand). Cytogenetic location: 11q13.4.
Variant type: single nucleotide variant.
Coding change: c.343A>G on transcript NM_001258392.3 (MANE Select); coding-DNA position 343, A replaced by G.
Protein change: p.Met115Val; replaces methionine 115 with valine.
Molecular consequence: missense variant.
Genome position (GRCh38, 1-based): chr11:72,434,132, T>C on the plus strand (A>G on the coding strand, the complement: CLPB is on the minus strand). VCF-style: chr11-72434132-T-C. GRCh37 (hg19) VCF-style: chr11-72145176-T-C.
Other names: c.343A>G, p.Met115Val (NM_001258393.3, NM_030813.6); c.101A>G, p.His34Arg (NM_001258394.3); short protein forms H34R, M115V.
Identifiers: ClinVar variation 1379274 (VCV001379274.6), dbSNP rs755190312, ClinGen allele CA381962907.

ClinVar aggregate classification (germline): Uncertain significance (1 of 4 stars; one submission).

Conditions:
3-methylglutaconic aciduria, type VIIB (MGCA7B). Also called: CLPB Deficiency; 3-methylglutaconic aciduria with cataracts, neurologic involvement and neutropenia; 3-methylglutaconic aciduria, type VII, with cataracts, neurologic involvement and neutropenia. Identifiers: Orphanet 445038, MedGen C5676893, MONDO:0014561, OMIM 616271.

Submission:

Labcorp Genetics (formerly Invitae), Labcorp
Classification: Uncertain significance for 3-methylglutaconic aciduria, type VIIB. Last evaluated: 2023-09-23. Review status: criteria provided, single submitter. Criteria: Invitae Variant Classification Sherloc (09022015). Collection method: clinical testing. Allele origin: germline.
Comment: Algorithms developed to predict the effect of missense changes on protein structure and function output the following: SIFT: "Not Available"; PolyPhen-2: "Benign"; Align-GVGD: "Not Available". The valine amino acid residue is found in multiple mammalian species, which suggests that this missense change does not adversely affect protein function. In summary, the available evidence is currently insufficient to determine the role of this variant in disease. Therefore, it has been classified as a Variant of Uncertain Significance. ClinVar contains an entry for this variant (Variation ID: 1379274). This variant has not been reported in the literature in individuals affected with CLPB-related conditions. This variant is not present in population databases (gnomAD no frequency). This sequence change replaces methionine, which is neutral and non-polar, with valine, which is neutral and non-polar, at codon 115 of the CLPB protein (p.Met115Val).